The following is an entry in ClinVar:

ClinVar aggregate classification (germline): Uncertain significance (1 of 4 stars; one submission).

Allele frequency attached by ClinVar (database versions not stated): gnomAD 0.00001; gnomAD exomes 0.00001 and 0.00002; ExAC 0.00003; ESP Exome Variant Server 0.00008.
gnomAD v4.1: 13 of 1,585,430 alleles (0.00082%); highest among the groups gnomAD compares: Middle Eastern, 0.033%; no homozygotes.

Submission:

GeneDx
Classification: Uncertain significance. Last evaluated: 2024-10-30. Review status: criteria provided, single submitter. Criteria: GeneDx Variant Classification Process June 2021. Collection method: clinical testing. Allele origin: germline. Affected: yes.
Comment: See Variant Classification Assertion Criteria.

NM_133259.4(LRPPRC):c.4180T>G (p.Ser1394Ala)

Gene: LRPPRC (leucine rich pentatricopeptide repeat containing; minus strand). Cytogenetic location: 2p21.
Variant type: single nucleotide variant.
Coding change: c.4180T>G on transcript NM_133259.4 (MANE Select); coding-DNA position 4180, T replaced by G.
Protein change: p.Ser1394Ala; replaces serine 1394 with alanine.
Molecular consequence: missense variant.
Genome position (GRCh38, 1-based): chr2:43,888,605, A>C on the plus strand (T>G on the coding strand, the complement: LRPPRC is on the minus strand). VCF-style: chr2-43888605-A-C. GRCh37 (hg19) VCF-style: chr2-44115744-A-C.
Other names: short protein forms S1394A.
Identifiers: ClinVar variation 1209202 (VCV001209202.4), dbSNP rs145232874, ClinGen allele CA1637770.